The following is an entry in ClinVar:

ClinVar aggregate classification (germline): Benign/Likely benign. Review status: criteria provided, multiple submitters, no conflicts (2 of 4 stars). 4 submissions from 4 submitters: Benign (2); Likely benign (2). Last evaluated 2024-10-03.

Conditions:
Hypertrophic cardiomyopathy. Also called: HYPERTROPHIC MYOCARDIOPATHY. Identifiers: Orphanet 217569, MedGen C0007194, MeSH D002312, MONDO:0005045, HP:0001639.
Cardiomyopathy (CMYO). Also called: Cardiomyopathies. Identifiers: Orphanet 167848, MedGen C0878544, MONDO:0004994, HP:0001638. Inheritance: Various modes of inheritance.

Allele frequency attached by ClinVar (database versions not stated): gnomAD exomes 0.00001 and 0.00063; TOPMed 0.00003; ExAC 0.01241.
gnomAD v4.1: 11 of 1,599,636 alleles (0.00069%); highest among the groups gnomAD compares: Admixed American, 0.0034%; no homozygotes.

Submissions (4):

Labcorp Genetics (formerly Invitae), Labcorp
Classification: Likely benign for Hypertrophic cardiomyopathy. Last evaluated: 2024-10-03. Review status: criteria provided, single submitter. Criteria: Invitae Variant Classification Sherloc (09022015). Collection method: clinical testing. Allele origin: germline.

All of Us Research Program, National Institutes of Health
Classification: Benign for Cardiomyopathy. Last evaluated: 2023-08-15. Review status: criteria provided, single submitter. Criteria: ACMG Guidelines, 2015. Collection method: clinical testing. Allele origin: germline. Inheritance: Autosomal dominant inheritance. Observed: 2 variant alleles, 2 heterozygotes.
Comment: This study involves interpretation of variants in research participants for the purpose of population health screening. Participant phenotype was not available at the time of variant classification. Additional details can be found in publication PMID: 35346344, PMCID: PMC8962531

Color Diagnostics, LLC DBA Color Health
Classification: Benign for Cardiomyopathy. Last evaluated: 2021-06-28. Review status: criteria provided, single submitter. Criteria: ACMG Guidelines, 2015. Collection method: clinical testing. Allele origin: germline.

GeneDx
Classification: Likely benign. Last evaluated: 2019-07-11. Review status: criteria provided, single submitter. Criteria: GeneDx Variant Classification Process June 2021. Collection method: clinical testing. Allele origin: germline. Affected: yes.

NM_000257.4(MYH7):c.3973-12A>C

Gene: MYH7 (myosin heavy chain 7; minus strand). Cytogenetic location: 14q11.2.
Variant type: single nucleotide variant.
Coding change: c.3973-12A>C on transcript NM_000257.4 (MANE Select); 12 bases into the intron before coding-DNA position 3973, A replaced by C.
Molecular consequence: intron variant.
Genome position (GRCh38, 1-based): chr14:23,418,418, T>G on the plus strand (A>C on the coding strand, the complement: MYH7 is on the minus strand). VCF-style: chr14-23418418-T-G. GRCh37 (hg19) VCF-style: chr14-23887627-T-G.
Identifiers: ClinVar variation 1187954 (VCV001187954.13), dbSNP rs773718222, ClinGen allele CA039691.
Genomic context (GRCh38, chr14:23,418,418, plus strand): 5'-CGCAGTCATGCCGGGCCGACTGCAGTGCGTGGGCCAGGGCGTTCTTCGCCTGGGGAGGGG[T>G]GGGCACCAGGAGGTGGGTTCAGCTTTCTCCATAAAGCAACCCCACCCTTGCCCTTCTCCT-3'